The following is an entry in ClinVar:

NM_000719.7(CACNA1C):c.5047A>C (p.Met1683Leu)

Genes: CACNA1C (calcium voltage-gated channel subunit alpha1 C; plus strand), CACNA1C-AS1 (CACNA1C antisense RNA 1; minus strand). Cytogenetic location: 12p13.33.
Variant type: single nucleotide variant.
Coding change: c.5047A>C on transcript NM_000719.7 (MANE Select); coding-DNA position 5047, A replaced by C.
Protein change: p.Met1683Leu; replaces methionine 1683 with leucine.
Molecular consequence: missense variant. On other transcripts: non-coding transcript variant (1).
Genome position (GRCh38, 1-based): chr12:2,677,823, A>C. VCF-style: chr12-2677823-A-C. GRCh37 (hg19) VCF-style: chr12-2786989-A-C.
Other names: c.5104A>C, p.Met1702Leu (NM_001129833.2, NM_001129834.2, NM_001129835.2); c.5098A>C, p.Met1700Leu (NM_001129836.2); c.5071A>C, p.Met1691Leu (NM_001129837.2, NM_001129838.2); c.5065A>C, p.Met1689Leu (NM_001129839.2); c.5047A>C, p.Met1683Leu (NM_001129840.2, NM_001129841.2, NM_001129842.2 and 4 more transcripts); c.5038A>C, p.Met1680Leu (NM_001129844.2); c.5014A>C, p.Met1672Leu (NM_001129846.2, NM_001167625.2); c.5191A>C, p.Met1731Leu (NM_199460.4, NM_001129827.2); and 3 more; short protein forms M1672L, M1700L, M1680L, M1702L, M1689L, M1691L, M1703L, M1711L.
Identifiers: ClinVar variation 2051651 (VCV002051651.4), dbSNP rs1337057545, ClinGen allele CA383378369.

ClinVar aggregate classification (germline): Uncertain significance (1 of 4 stars; one submission).

Conditions:
Long QT syndrome (LQTS). Identifiers: MedGen C0023976, MeSH D008133, MONDO:0002442. Disease mechanism: loss of function. Inheritance: Various modes of inheritance.

Submission:

Labcorp Genetics (formerly Invitae), Labcorp
Classification: Uncertain significance for Long QT syndrome. Last evaluated: 2021-12-21. Review status: criteria provided, single submitter. Criteria: Invitae Variant Classification Sherloc (09022015). Collection method: clinical testing. Allele origin: germline.
Comment: This sequence change replaces methionine, which is neutral and non-polar, with leucine, which is neutral and non-polar, at codon 1683 of the CACNA1C protein (p.Met1683Leu). This variant is not present in population databases (gnomAD no frequency). This variant has not been reported in the literature in individuals affected with CACNA1C-related conditions. Algorithms developed to predict the effect of missense changes on protein structure and function are either unavailable or do not agree on the potential impact of this missense change (SIFT: "Deleterious"; PolyPhen-2: "Benign"; Align-GVGD: "Class C0"). In summary, the available evidence is currently insufficient to determine the role of this variant in disease. Therefore, it has been classified as a Variant of Uncertain Significance.